The following is an entry in ClinVar:

ClinVar aggregate classification (germline): Likely benign (1 of 4 stars; one submission).

Allele frequency attached by ClinVar (database versions not stated): TOPMed 0.00001; gnomAD exomes 0.00004.
gnomAD v4.1: 39 of 1,064,278 alleles (0.0037%); highest among the groups gnomAD compares: Non-Finnish European, 0.0044%; no homozygotes.

Submission:

GeneDx
Classification: Likely benign. Last evaluated: 2016-04-14. Review status: criteria provided, single submitter. Criteria: GeneDx Variant Classification (06012015). Collection method: clinical testing. Allele origin: germline. Affected: yes.
Comment: This variant is considered likely benign or benign based on one or more of the following criteria: it is a conservative change, it occurs at a poorly conserved position in the protein, it is predicted to be benign by multiple in silico algorithms, and/or has population frequency not consistent with disease.

NM_000455.5(STK11):c.*17-14C>T

Gene: STK11 (serine/threonine kinase 11; plus strand). Cytogenetic location: 19p13.3.
Variant type: single nucleotide variant.
Coding change: c.*17-14C>T on transcript NM_000455.5 (MANE Select); 14 bases into the intron before 17 bases downstream of the stop codon, C replaced by T.
Molecular consequence: intron variant.
Genome position (GRCh38, 1-based): chr19:1,227,579, C>T. VCF-style: chr19-1227579-C-T. GRCh37 (hg19) VCF-style: chr19-1227578-C-T.
Identifiers: ClinVar variation 385592 (VCV000385592.1), dbSNP rs896033152, ClinGen allele CA16608103.